The following is an entry in ClinVar:

NM_000384.3(APOB):c.8287A>C (p.Lys2763Gln)

Gene: APOB (apolipoprotein B; minus strand). Cytogenetic location: 2p24.1.
Variant type: single nucleotide variant.
Coding change: c.8287A>C on transcript NM_000384.3 (MANE Select); coding-DNA position 8287, A replaced by C.
Protein change: p.Lys2763Gln; replaces lysine 2763 with glutamine.
Molecular consequence: missense variant.
Genome position (GRCh38, 1-based): chr2:21,008,581, T>G on the plus strand (A>C on the coding strand, the complement: APOB is on the minus strand). VCF-style: chr2-21008581-T-G. GRCh37 (hg19) VCF-style: chr2-21231453-T-G.
Other names: short protein forms K2763Q.
Identifiers: ClinVar variation 3748039 (VCV003748039.2).

ClinVar aggregate classification (germline): Uncertain significance (1 of 4 stars; one submission).

Conditions:
Familial hypobetalipoproteinemia 1. Also called: APOB-Related Familial Hypobetalipoproteinemia; Hypobetalipoproteinemia, normotriglyceridemic; Acanthocytosis with hypobetalipoproteinemia. Identifiers: MedGen C4551990, MONDO:0014252, OMIM 615558.
Hypercholesterolemia, autosomal dominant, type B (FHCL2). Also called: Familial Hypercholesterolemia Type B; APOLIPOPROTEIN B-100, FAMILIAL DEFECTIVE; APOLIPOPROTEIN B-100, FAMILIAL LIGAND-DEFECTIVE; HYPERCHOLESTEROLEMIA, FAMILIAL, DUE TO LIGAND-DEFECTIVE APOLIPOPROTEIN B; Hyperlipoproteinemia Type IIb; Familial hypercholesterolemia 2. Identifiers: MedGen C1704417, MONDO:0007751, OMIM 144010.

gnomAD v4.1: 1 of 1,614,142 alleles (0.000062%); highest among the groups gnomAD compares: South Asian, 0.0011%; no homozygotes.

Submission:

Labcorp Genetics (formerly Invitae), Labcorp
Classification: Uncertain significance for Familial hypobetalipoproteinemia 1; Hypercholesterolemia, autosomal dominant, type B. Last evaluated: 2024-07-22. Review status: criteria provided, single submitter. Criteria: Invitae Variant Classification Sherloc (09022015). Collection method: clinical testing. Allele origin: germline.
Comment: This sequence change replaces lysine, which is basic and polar, with glutamine, which is neutral and polar, at codon 2763 of the APOB protein (p.Lys2763Gln). This variant is not present in population databases (gnomAD no frequency). This missense change has been observed in individual(s) with hypercholesterolemia (PMID: 36499307). Advanced modeling of protein sequence and biophysical properties (such as structural, functional, and spatial information, amino acid conservation, physicochemical variation, residue mobility, and thermodynamic stability) performed at Invitae indicates that this missense variant is not expected to disrupt APOB protein function with a negative predictive value of 95%. In summary, the available evidence is currently insufficient to determine the role of this variant in disease. Therefore, it has been classified as a Variant of Uncertain Significance.

Literature cited by the submitters: PubMed 36499307.